The following is an entry in ClinVar:

ClinVar aggregate classification (germline): Likely benign. Review status: criteria provided, multiple submitters, no conflicts (2 of 4 stars). 3 submissions from 3 submitters: Likely benign (3). Last evaluated 2025-11-13.

Conditions:
Glutathione synthetase deficiency with 5-oxoprolinuria. Also called: Reduced glutathione synthetase level; Gluthathione synthetase deficiency; PYROGLUTAMIC ACIDURIA; 5-Oxoprolinuria; 5-OXOPROLINURIA DUE TO GLUTATHIONE SYNTHETASE DEFICIENCY. Identifiers: Orphanet 289846, MedGen C0398746, MONDO:0009947, OMIM 266130, HP:0003343.
Inborn genetic diseases. Identifiers: MedGen C0950123, MeSH D030342.

Allele frequency attached by ClinVar (database versions not stated): ExAC 0.00004; gnomAD exomes 0.00006; ESP Exome Variant Server 0.00008; gnomAD 0.00011 and 0.00014; TOPMed 0.00012.
gnomAD v4.1: 62 of 1,614,028 alleles (0.0038%); highest among the groups gnomAD compares: African/African-American, 0.012%; no homozygotes.

Submissions (3):

Labcorp Genetics (formerly Invitae), Labcorp
Classification: Likely benign for Glutathione synthetase deficiency with 5-oxoprolinuria. Last evaluated: 2025-11-13. Review status: criteria provided, single submitter. Criteria: Invitae Variant Classification Sherloc (09022015). Collection method: clinical testing. Allele origin: germline.

Ambry Genetics
Classification: Likely benign for Inborn genetic diseases. Last evaluated: 2022-04-01. Review status: criteria provided, single submitter. Criteria: Ambry Variant Classification Scheme 2023. Collection method: clinical testing. Allele origin: germline.

GeneDx
Classification: Likely benign. Last evaluated: 2017-11-27. Review status: criteria provided, single submitter. Criteria: GeneDx Variant Classification (06012015). Collection method: clinical testing. Allele origin: germline. Affected: yes.
Comment: This variant is considered likely benign or benign based on one or more of the following criteria: it is a conservative change, it occurs at a poorly conserved position in the protein, it is predicted to be benign by multiple in silico algorithms, and/or has population frequency not consistent with disease.

NM_000178.4(GSS):c.246C>T (p.Asn82=)

Gene: GSS (glutathione synthetase; minus strand). Cytogenetic location: 20q11.22.
Variant type: single nucleotide variant.
Coding change: c.246C>T on transcript NM_000178.4 (MANE Select); coding-DNA position 246, C replaced by T.
Protein change: p.Asn82=; no amino-acid change (asparagine 82 retained).
Molecular consequence: synonymous variant.
Genome position (GRCh38, 1-based): chr20:34,945,982, G>A on the plus strand (C>T on the coding strand, the complement: GSS is on the minus strand). VCF-style: chr20-34945982-G-A. GRCh37 (hg19) VCF-style: chr20-33533785-G-A.
Other names: c.246C>T, p.Asn82= (LRG_1168t1, NM_001322494.1, NM_001322495.1).
Identifiers: ClinVar variation 513494 (VCV000513494.13), dbSNP rs375957984, ClinGen allele CA9826150.